The following is an entry in ClinVar:

ClinVar aggregate classification (germline): Likely pathogenic (1 of 4 stars; one submission).

Allele frequency attached by ClinVar (database versions not stated): gnomAD exomes below 0.00001 and 0.00001.
gnomAD v4.1: 1 of 1,551,544 alleles (0.000064%); highest among the groups gnomAD compares: East Asian, 0.0024%; no homozygotes.

Submission:

Labcorp Genetics (formerly Invitae), Labcorp
Classification: Likely pathogenic. Last evaluated: 2023-11-24. Review status: criteria provided, single submitter. Criteria: Invitae Variant Classification Sherloc (09022015). Collection method: clinical testing. Allele origin: germline.
Comment: This sequence change affects an acceptor splice site in intron 13 of the LOXHD1 gene. It is expected to disrupt RNA splicing. Variants that disrupt the donor or acceptor splice site typically lead to a loss of protein function (PMID: 16199547), and loss-of-function variants in LOXHD1 are known to be pathogenic (PMID: 19732867, 21465660, 25792669). This variant is present in population databases (no rsID available, gnomAD 0.01%). Disruption of this splice site has been observed in individual(s) with clinical features of LOXHD1-related conditions (PMID: 28383030). ClinVar contains an entry for this variant (Variation ID: 1508103). Algorithms developed to predict the effect of sequence changes on RNA splicing suggest that this variant may disrupt the consensus splice site. In summary, the currently available evidence indicates that the variant is pathogenic, but additional data are needed to prove that conclusively. Therefore, this variant has been classified as Likely Pathogenic.

Literature cited by the submitters: PubMed 16199547; PubMed 19732867; PubMed 21465660; PubMed 25792669; PubMed 28383030.

NM_001384474.1(LOXHD1):c.1810-2A>T

Gene: LOXHD1 (lipoxygenase homology PLAT domains 1; minus strand). Cytogenetic location: 18q21.1.
Variant type: single nucleotide variant.
Coding change: c.1810-2A>T on transcript NM_001384474.1 (MANE Select); the canonical splice acceptor site of the intron before coding-DNA position 1810, A replaced by T.
Molecular consequence: splice acceptor variant.
Genome position (GRCh38, 1-based): chr18:46,577,869, T>A on the plus strand (A>T on the coding strand, the complement: LOXHD1 is on the minus strand). VCF-style: chr18-46577869-T-A. GRCh37 (hg19) VCF-style: chr18-44157832-T-A.
Other names: c.1810-2A>T (NM_144612.7).
Identifiers: ClinVar variation 1508103 (VCV001508103.8), dbSNP rs1410967693, ClinGen allele CA402378560.
Genomic context (GRCh38, chr18:46,577,869, plus strand): 5'-CTGATCCTCACCCGCCTCACATTCCGCATGGTGACAGACTCGATAGTGAACTCGTCAGCC[T>A]TGTGGGGGGAAACCACAAGGCCAGTTAGACAGTGGCTACCCCAGGACCCAAACACCAAGG-3'